The following is an entry in ClinVar:

NM_000722.4(CACNA2D1):c.2727+4A>G

Gene: CACNA2D1 (calcium voltage-gated channel auxiliary subunit alpha2delta 1; minus strand). Cytogenetic location: 7q21.11.
Variant type: single nucleotide variant.
Coding change: c.2727+4A>G on transcript NM_000722.4 (MANE Select); 4 bases into the intron after coding-DNA position 2727, A replaced by G.
Molecular consequence: intron variant.
Genome position (GRCh38, 1-based): chr7:81,964,203, T>C on the plus strand (A>G on the coding strand, the complement: CACNA2D1 is on the minus strand). VCF-style: chr7-81964203-T-C. GRCh37 (hg19) VCF-style: chr7-81593519-T-C.
Other names: c.2763+4A>G (NM_001366867.1).
Identifiers: ClinVar variation 2694197 (VCV002694197.3), dbSNP rs1214386291, ClinGen allele CA842845596.

ClinVar aggregate classification (germline): Uncertain significance (1 of 4 stars; one submission).

Conditions:
Brugada syndrome. Also called: Sudden unexplained nocturnal death syndrome; Sudden unexpected nocturnal death syndrome; Sudden Unexplained Death Syndrome; Sudden Unexplained Nocturnal Death Syndrome (SUNDS). Identifiers: Orphanet 130, MedGen C1142166, MONDO:0015263.

Allele frequency attached by ClinVar (database versions not stated): gnomAD exomes below 0.00001; TOPMed below 0.00001.
gnomAD v4.1: 1 of 1,612,874 alleles (0.000062%); highest among the groups gnomAD compares: Non-Finnish European, 0.000085%; no homozygotes.

Submission:

Labcorp Genetics (formerly Invitae), Labcorp
Classification: Uncertain significance for Brugada syndrome. Last evaluated: 2023-05-22. Review status: criteria provided, single submitter. Criteria: Invitae Variant Classification Sherloc (09022015). Collection method: clinical testing. Allele origin: germline.
Comment: In summary, the available evidence is currently insufficient to determine the role of this variant in disease. Therefore, it has been classified as a Variant of Uncertain Significance. Variants that disrupt the consensus splice site are a relatively common cause of aberrant splicing (PMID: 17576681, 9536098). Algorithms developed to predict the effect of sequence changes on RNA splicing suggest that this variant may create or strengthen a splice site. This variant has not been reported in the literature in individuals affected with CACNA2D1-related conditions. This variant is not present in population databases (gnomAD no frequency). This sequence change falls in intron 33 of the CACNA2D1 gene. It does not directly change the encoded amino acid sequence of the CACNA2D1 protein. It affects a nucleotide within the consensus splice site.

Literature cited by the submitters: PubMed 17576681; PubMed 9536098.